The following is an entry in ClinVar:

ClinVar aggregate classification (germline): Uncertain significance. Review status: criteria provided, multiple submitters, no conflicts (2 of 4 stars). 2 submissions from 2 submitters: Uncertain significance (2). Last evaluated 2025-04-10.

Conditions:
Inborn genetic diseases. Identifiers: MedGen C0950123, MeSH D030342.
Combined immunodeficiency due to STIM1 deficiency. Also called: IMMUNODEFICIENCY 10; STIM1 DEFICIENCY. Identifiers: Orphanet 169090, Orphanet 317430, MedGen C2748557, MONDO:0013008, OMIM 612783.
Stormorken syndrome (STRMK). Also called: THROMBOCYTOPATHY, ASPLENIA, AND MIOSIS. Identifiers: Orphanet 3204, MedGen C1861451, MONDO:0008497, OMIM 185070.
Myopathy with tubular aggregates (TAM). Also called: Tubular Aggregate Myopathy. Identifiers: Orphanet 2593, MedGen C0410207, MONDO:0008051.

Submissions (2):

Ambry Genetics
Classification: Uncertain significance for Inborn genetic diseases. Last evaluated: 2025-04-10. Review status: criteria provided, single submitter. Criteria: Ambry Variant Classification Scheme 2023. Collection method: clinical testing. Allele origin: germline.

Labcorp Genetics (formerly Invitae), Labcorp
Classification: Uncertain significance for Myopathy with tubular aggregates; Combined immunodeficiency due to STIM1 deficiency; Stormorken syndrome. Last evaluated: 2023-12-26. Review status: criteria provided, single submitter. Criteria: Invitae Variant Classification Sherloc (09022015). Collection method: clinical testing. Allele origin: germline.
Comment: This sequence change replaces isoleucine, which is neutral and non-polar, with phenylalanine, which is neutral and non-polar, at codon 661 of the STIM1 protein (p.Ile661Phe). This variant is not present in population databases (gnomAD no frequency). This variant has not been reported in the literature in individuals affected with STIM1-related conditions. Advanced modeling of protein sequence and biophysical properties (such as structural, functional, and spatial information, amino acid conservation, physicochemical variation, residue mobility, and thermodynamic stability) has been performed at Invitae for this missense variant, however the output from this modeling did not meet the statistical confidence thresholds required to predict the impact of this variant on STIM1 protein function. In summary, the available evidence is currently insufficient to determine the role of this variant in disease. Therefore, it has been classified as a Variant of Uncertain Significance.

NM_001382567.1(STIM1):c.2074A>T (p.Ile692Phe)

Genes: STIM1 (stromal interaction molecule 1; plus strand), LOC124418421 (Sharpr-MPRA regulatory region 9588; plus strand). Cytogenetic location: 11p15.4.
Variant type: single nucleotide variant.
Coding change: c.2074A>T on transcript NM_001382567.1 (MANE Select); coding-DNA position 2074, A replaced by T.
Protein change: p.Ile692Phe; replaces isoleucine 692 with phenylalanine.
Molecular consequence: missense variant. On other transcripts: 3 prime UTR variant (4), non-coding transcript variant (3).
Genome position (GRCh38, 1-based): chr11:4,091,721, A>T. VCF-style: chr11-4091721-A-T. GRCh37 (hg19) VCF-style: chr11-4112951-A-T.
Other names: c.2299A>T, p.Ile767Phe (NM_001277961.3); c.*395A>T (NM_001277962.2, NM_001382578.1, NM_001382579.1 and 1 more transcripts); c.2077A>T, p.Ile693Phe (NM_001382566.1); c.2002A>T, p.Ile668Phe (NM_001382568.1); c.1846A>T, p.Ile616Phe (NM_001382569.1); c.1753A>T, p.Ile585Phe (NM_001382570.1); c.1501A>T, p.Ile501Phe (NM_001382571.1); c.1759A>T, p.Ile587Phe (NM_001382575.1, NM_001382576.1, NM_001382577.1); and 2 more; short protein forms I501F, I661F, I498F, I616F, I668F, I585F, I587F, I692F.
Identifiers: ClinVar variation 2927996 (VCV002927996.4), dbSNP rs759472644, ClinGen allele CA379198179.